The following is an entry in ClinVar:

NM_000135.4(FANCA):c.4288C>G (p.Pro1430Ala)

Genes: FANCA (FA complementation group A; minus strand), ZNF276 (zinc finger protein 276; plus strand). Cytogenetic location: 16q24.3.
Variant type: single nucleotide variant.
Coding change: c.4288C>G on transcript NM_000135.4 (MANE Select); coding-DNA position 4288, C replaced by G.
Protein change: p.Pro1430Ala; replaces proline 1430 with alanine.
Molecular consequence: missense variant. On other transcripts: 3 prime UTR variant (3), non-coding transcript variant (4).
Genome position (GRCh38, 1-based): chr16:89,738,681, G>C on the plus strand (C>G on the coding strand, the complement: FANCA is on the minus strand). VCF-style: chr16-89738681-G-C. GRCh37 (hg19) VCF-style: chr16-89805089-G-C.
Other names: c.*17C>G (NM_001286167.3); c.*435G>C (NM_001113525.2, NM_152287.4); short protein forms P1430A.
Identifiers: ClinVar variation 2907875 (VCV002907875.4), dbSNP rs2062031057, ClinGen allele CA397483108.
Genomic context (GRCh38, chr16:89,738,681, plus strand): 5'-GGGACAGGTCAGCGTCAGGGGCAGCCTGCTGTCTGCTCTGGAGGGCGGCGCTCACCTCTG[G>C]GTCGCAGTCCCCACGATCAGCCAGCAGCTGTGAGAGAGGAGCAGGTCCTCAGCCCATGCC-3'
Protein context (NP_000126.2, residues 1420-1440): ELLADRGDCD[Pro1430Ala]EVSAALQSRQ

ClinVar aggregate classification (germline): Uncertain significance. Review status: criteria provided, multiple submitters, no conflicts (2 of 4 stars). 2 submissions from 2 submitters: Uncertain significance (2). Last evaluated 2025-11-28.

Conditions:
Fanconi anemia (FA). Also called: Fanconi's anemia. Identifiers: Orphanet 84, MedGen C0015625, MeSH D005199, MONDO:0019391.
Inborn genetic diseases. Identifiers: MedGen C0950123, MeSH D030342.

Allele frequency attached by ClinVar (database versions not stated): gnomAD exomes below 0.00001; gnomAD 0.00001; TOPMed 0.00002.
gnomAD v4.1: 2 of 1,613,838 alleles (0.00012%); highest among the groups gnomAD compares: Non-Finnish European, 0.00017%; no homozygotes.

Submissions (2):

Ambry Genetics
Classification: Uncertain significance for Inborn genetic diseases. Last evaluated: 2025-11-28. Review status: criteria provided, single submitter. Criteria: Ambry Variant Classification Scheme 2023. Collection method: clinical testing. Allele origin: germline.
Comment: The p.P1430A variant (also known as c.4288C>G), located in coding exon 43 of the FANCA gene, results from a C to G substitution at nucleotide position 4288. The proline at codon 1430 is replaced by alanine, an amino acid with highly similar properties. This amino acid position is conserved. In addition, the in silico prediction for this alteration is inconclusive. Based on the available evidence, the clinical significance of this variant remains unclear.

Labcorp Genetics (formerly Invitae), Labcorp
Classification: Uncertain significance for Fanconi anemia. Last evaluated: 2023-08-25. Review status: criteria provided, single submitter. Criteria: Invitae Variant Classification Sherloc (09022015). Collection method: clinical testing. Allele origin: germline.
Comment: In summary, the available evidence is currently insufficient to determine the role of this variant in disease. Therefore, it has been classified as a Variant of Uncertain Significance. This variant is not present in population databases (gnomAD no frequency). This sequence change replaces proline, which is neutral and non-polar, with alanine, which is neutral and non-polar, at codon 1430 of the FANCA protein (p.Pro1430Ala). This variant has not been reported in the literature in individuals affected with FANCA-related conditions. Advanced modeling of protein sequence and biophysical properties (such as structural, functional, and spatial information, amino acid conservation, physicochemical variation, residue mobility, and thermodynamic stability) has been performed at Invitae for this missense variant, however the output from this modeling did not meet the statistical confidence thresholds required to predict the impact of this variant on FANCA protein function.